The following is an entry in ClinVar:

ClinVar aggregate classification (germline): Likely pathogenic (1 of 4 stars; one submission).

Conditions:
Hearing loss, autosomal dominant 80. Also called: DEAFNESS, AUTOSOMAL DOMINANT 80. Identifiers: MedGen C5543289, MONDO:0030998, OMIM 619274.

Submission:

3billion
Classification: Likely pathogenic for Hearing loss, autosomal dominant 80. Last evaluated: 2022-01-03. Review status: criteria provided, single submitter. Criteria: ACMG Guidelines, 2015. Collection method: clinical testing. Allele origin: germline. Affected: yes. Observed: 1 heterozygote.
Comment: Stop-gained (nonsense): predicted to result in a loss or disruption of normal protein function through nonsense-mediated decay (NMD) or protein truncation. Multiple pathogenic variants are reported downstream of the variant (PVS1_VS). It is not observed in the gnomAD v2.1.1 dataset (PM2_M). Therefore, this variant is classified as likely pathogenic according to the recommendation of ACMG/AMP guideline.

NM_001142966.3(GREB1L):c.2594T>A (p.Leu865Ter)

Gene: GREB1L (GREB1 like retinoic acid receptor coactivator; plus strand). Cytogenetic location: 18q11.1.
Variant type: single nucleotide variant.
Coding change: c.2594T>A on transcript NM_001142966.3 (MANE Select); coding-DNA position 2594, T replaced by A.
Protein change: p.Leu865Ter; replaces leucine 865 with a stop codon.
Molecular consequence: nonsense.
Genome position (GRCh38, 1-based): chr18:21,485,657, T>A. VCF-style: chr18-21485657-T-A. GRCh37 (hg19) VCF-style: chr18-19065618-T-A.
Other names: short protein forms L865*.
Identifiers: ClinVar variation 1333577 (VCV001333577.1), dbSNP rs2145813286, ClinGen allele CA401742611.